The following is an entry in ClinVar:

ClinVar aggregate classification (germline): Uncertain significance. Review status: criteria provided, multiple submitters, no conflicts (2 of 4 stars). 4 submissions from 4 submitters: Uncertain significance (4). Last evaluated 2026-02-26.

Conditions:
Intellectual developmental disorder, autosomal recessive 61. Also called: ALWADEI SYNDROME; Intellectual disability, autosomal recessive 61; MENTAL RETARDATION, AUTOSOMAL RECESSIVE 61. Identifiers: MedGen C4540424, MONDO:0030915, OMIM 617773.

Allele frequency attached by ClinVar (database versions not stated): ExAC 0.00014; ESP Exome Variant Server 0.00039; 1000 Genomes Project 30x 0.00016; TOPMed 0.00019; gnomAD exomes 0.00003 and 0.00005; gnomAD 0.00016; 1000 Genomes Project 0.00020.
gnomAD v4.1: 69 of 1,551,236 alleles (0.0044%); highest among the groups gnomAD compares: African/African-American, 0.057%; no homozygotes.

Submissions (4):

Ambry Genetics
Classification: Uncertain significance. Last evaluated: 2026-02-26. Review status: criteria provided, single submitter. Criteria: Ambry Variant Classification Scheme 2023. Collection method: clinical testing. Allele origin: germline.
Comment: The c.4078C>T (p.R1360W) alteration is located in exon 10 (coding exon 9) of the RUSC2 gene. This alteration results from a C to T substitution at nucleotide position 4078, causing the arginine (R) at amino acid position 1360 to be replaced by a tryptophan (W). Based on data from gnomAD, the T allele has an overall frequency of 0.006% (11/199916) total alleles studied. The highest observed frequency was 0.036% (7/19544) of African alleles. Based on insufficient or conflicting evidence, the clinical significance of this alteration remains unclear.

Blueprint Genetics
Classification: Uncertain significance. Last evaluated: 2024-08-28. Review status: criteria provided, single submitter. Criteria: ACMG Guidelines, 2015. Collection method: clinical testing. Allele origin: germline.

Labcorp Genetics (formerly Invitae), Labcorp
Classification: Uncertain significance. Last evaluated: 2022-07-06. Review status: criteria provided, single submitter. Criteria: Invitae Variant Classification Sherloc (09022015). Collection method: clinical testing. Allele origin: germline.
Comment: This sequence change replaces arginine, which is basic and polar, with tryptophan, which is neutral and slightly polar, at codon 1360 of the RUSC2 protein (p.Arg1360Trp). This variant is present in population databases (rs200798902, gnomAD 0.04%). This variant has not been reported in the literature in individuals affected with RUSC2-related conditions. ClinVar contains an entry for this variant (Variation ID: 1031872). Algorithms developed to predict the effect of missense changes on protein structure and function are either unavailable or do not agree on the potential impact of this missense change (SIFT: "Deleterious"; PolyPhen-2: "Probably Damaging"; Align-GVGD: "Class C0"). In summary, the available evidence is currently insufficient to determine the role of this variant in disease. Therefore, it has been classified as a Variant of Uncertain Significance.

Baylor Genetics
Classification: Uncertain significance for Intellectual developmental disorder, autosomal recessive 61. Last evaluated: 2018-08-06. Review status: criteria provided, single submitter. Criteria: ACMG Guidelines, 2015. Collection method: clinical testing. Allele origin: paternal. Affected: yes.
Comment: This variant was determined to be of uncertain significance according to ACMG Guidelines, 2015 [PMID:25741868].

NM_014806.5(RUSC2):c.4078C>T (p.Arg1360Trp)

Gene: RUSC2 (RUN and SH3 domain containing 2; plus strand). Cytogenetic location: 9p13.3.
Variant type: single nucleotide variant.
Coding change: c.4078C>T on transcript NM_014806.5 (MANE Select); coding-DNA position 4078, C replaced by T.
Protein change: p.Arg1360Trp; replaces arginine 1360 with tryptophan.
Molecular consequence: missense variant. On other transcripts: non-coding transcript variant (1).
Genome position (GRCh38, 1-based): chr9:35,560,718, C>T. VCF-style: chr9-35560718-C-T. GRCh37 (hg19) VCF-style: chr9-35560715-C-T.
Other names: c.4078C>T, p.Arg1360Trp (NM_001135999.2); c.1444C>T, p.Arg482Trp (NM_001330740.2); short protein forms R1360W, R482W.
Identifiers: ClinVar variation 1031872 (VCV001031872.7), dbSNP rs200798902, ClinGen allele CA5044292.